The following is an entry in ClinVar:

NM_005751.5(AKAP9):c.4457A>G (p.His1486Arg)

Gene: AKAP9 (A-kinase anchoring protein 9; plus strand). Cytogenetic location: 7q21.2.
Variant type: single nucleotide variant.
Coding change: c.4457A>G on transcript NM_005751.5 (MANE Select); coding-DNA position 4457, A replaced by G.
Protein change: p.His1486Arg; replaces histidine 1486 with arginine.
Molecular consequence: missense variant.
Genome position (GRCh38, 1-based): chr7:92,038,537, A>G. VCF-style: chr7-92038537-A-G. GRCh37 (hg19) VCF-style: chr7-91667851-A-G.
Other names: c.4457A>G, p.His1486Arg (NM_147185.3); short protein forms H1486R.
Identifiers: ClinVar variation 965171 (VCV000965171.11), dbSNP rs755931396, ClinGen allele CA4336580.
Genomic context (GRCh38, chr7:92,038,537, plus strand): 5'-GGGGAAAAGAAAATACTGCATCATCAAAGCAAGCACATGCTGTGTGTCAGCAAGAACAAC[A>G]TTATTTTAATGAAATGAAATTATCACAGGATCAAATTGGTTTTCAGACTTTTGAGACAGT-3'
Protein context (NP_005742.4, residues 1476-1496): QAHAVCQQEQ[His1486Arg]YFNEMKLSQD

ClinVar aggregate classification (germline): Conflicting classifications of pathogenicity. Review status: criteria provided, conflicting classifications (1 of 4 stars). 3 submissions from 3 submitters: Uncertain significance (2); Likely benign (1). Last evaluated 2025-09-05.

Conditions:
AKAP9-related disorder. Also called: AKAP9-related condition.
Long QT syndrome (LQTS). Identifiers: MedGen C0023976, MeSH D008133, MONDO:0002442. Disease mechanism: loss of function. Inheritance: Various modes of inheritance.
Cardiovascular phenotype. Identifiers: MedGen CN230736.

Allele frequency attached by ClinVar (database versions not stated): ExAC 0.00002; gnomAD exomes 0.00002; TOPMed 0.00002.
gnomAD v4.1: 82 of 1,613,830 alleles (0.0051%); highest among the groups gnomAD compares: Non-Finnish European, 0.0065%; no homozygotes.

Submissions (3):

Labcorp Genetics (formerly Invitae), Labcorp
Classification: Uncertain significance for Long QT syndrome. Last evaluated: 2025-09-05. Review status: criteria provided, single submitter. Criteria: Invitae Variant Classification Sherloc (09022015). Collection method: clinical testing. Allele origin: germline.
Comment: This sequence change replaces histidine, which is basic and polar, with arginine, which is basic and polar, at codon 1486 of the AKAP9 protein (p.His1486Arg). This variant is present in population databases (rs755931396, gnomAD 0.003%). This variant has not been reported in the literature in individuals affected with AKAP9-related conditions. ClinVar contains an entry for this variant (Variation ID: 965171). An algorithm developed to predict the effect of missense changes on protein structure and function outputs the following: PolyPhen-2: "Benign". The arginine amino acid residue is found in multiple mammalian species, which suggests that this missense change does not adversely affect protein function. In summary, the available evidence is currently insufficient to determine the role of this variant in disease. Therefore, it has been classified as a Variant of Uncertain Significance.

Ambry Genetics
Classification: Likely benign for Cardiovascular phenotype. Last evaluated: 2025-08-25. Review status: criteria provided, single submitter. Criteria: Ambry Variant Classification Scheme 2023. Collection method: clinical testing. Allele origin: germline.

PreventionGenetics, part of Exact Sciences
Classification: Uncertain significance for AKAP9-related condition. Last evaluated: 2025-07-09. Review status: criteria provided, single submitter. Criteria: ACMG Guidelines, 2015. Collection method: clinical testing. Allele origin: germline.
Comment: The AKAP9 c.4457A>G variant is predicted to result in the amino acid substitution p.His1486Arg. To our knowledge, this variant has not been reported in the literature. This variant is reported in 0.0033% of alleles in individuals of South Asian descent in gnomAD. At this time, the clinical significance of this variant is uncertain due to the absence of conclusive functional and genetic evidence.